The following is an entry in ClinVar:

ClinVar aggregate classification (germline): Likely benign (1 of 4 stars; one submission).

Conditions:
BBS2-related disorder. Also called: BBS2-related disorders; BBS2-related condition. Identifiers: MedGen CN239228.

Submission:

PreventionGenetics, part of Exact Sciences
Classification: Likely benign for BBS2-related condition. Last evaluated: 2025-01-29. Review status: criteria provided, single submitter. Criteria: ACMG Guidelines, 2015. Collection method: clinical testing. Allele origin: germline.
Comment: This variant is classified as likely benign based on ACMG/AMP sequence variant interpretation guidelines (Richards et al. 2015 PMID: 25741868, with internal and published modifications).

NM_031885.5(BBS2):c.1660-9T>C

Gene: BBS2 (Bardet-Biedl syndrome 2; minus strand). Cytogenetic location: 16q13.
Variant type: single nucleotide variant.
Coding change: c.1660-9T>C on transcript NM_031885.5 (MANE Select); 9 bases into the intron before coding-DNA position 1660, T replaced by C.
Molecular consequence: intron variant.
Genome position (GRCh38, 1-based): chr16:56,497,889, A>G on the plus strand (T>C on the coding strand, the complement: BBS2 is on the minus strand). VCF-style: chr16-56497889-A-G. GRCh37 (hg19) VCF-style: chr16-56531801-A-G.
Other names: c.1660-9T>C (NM_001377456.1).
Identifiers: ClinVar variation 5001096 (VCV005001096.1).